The following is an entry in ClinVar:

ClinVar aggregate classification (germline): Uncertain significance (1 of 4 stars; one submission).

Conditions:
Kabuki syndrome. Also called: Kabuki make-up syndrome; NIIKAWA-KUROKI SYNDROME. Identifiers: Orphanet 2322, MedGen C0796004, MONDO:0016512.

Allele frequency attached by ClinVar (database versions not stated): gnomAD exomes below 0.00001.
gnomAD v4.1: 1 of 1,588,856 alleles (0.000063%); highest among the groups gnomAD compares: Non-Finnish European, 0.000086%; no homozygotes.

Submission:

Labcorp Genetics (formerly Invitae), Labcorp
Classification: Uncertain significance for Kabuki syndrome. Last evaluated: 2022-02-15. Review status: criteria provided, single submitter. Criteria: Invitae Variant Classification Sherloc (09022015). Collection method: clinical testing. Allele origin: germline.
Comment: In summary, the available evidence is currently insufficient to determine the role of this variant in disease. Therefore, it has been classified as a Variant of Uncertain Significance. This sequence change replaces leucine, which is neutral and non-polar, with phenylalanine, which is neutral and non-polar, at codon 3785 of the KMT2D protein (p.Leu3785Phe). This variant is not present in population databases (gnomAD no frequency). This variant has not been reported in the literature in individuals affected with KMT2D-related conditions. Advanced modeling of protein sequence and biophysical properties (such as structural, functional, and spatial information, amino acid conservation, physicochemical variation, residue mobility, and thermodynamic stability) performed at Invitae indicates that this missense variant is not expected to disrupt KMT2D protein function.

NM_003482.4(KMT2D):c.11353C>T (p.Leu3785Phe)

Gene: KMT2D (lysine methyltransferase 2D; minus strand). Cytogenetic location: 12q13.12.
Variant type: single nucleotide variant.
Coding change: c.11353C>T on transcript NM_003482.4 (MANE Select); coding-DNA position 11353, C replaced by T.
Protein change: p.Leu3785Phe; replaces leucine 3785 with phenylalanine.
Molecular consequence: missense variant.
Genome position (GRCh38, 1-based): chr12:49,033,352, G>A on the plus strand (C>T on the coding strand, the complement: KMT2D is on the minus strand). VCF-style: chr12-49033352-G-A. GRCh37 (hg19) VCF-style: chr12-49427135-G-A.
Other names: short protein forms L3785F.
Identifiers: ClinVar variation 2097231 (VCV002097231.4), dbSNP rs2498363962, ClinGen allele CA384719545.